The following is an entry in ClinVar:

ClinVar aggregate classification (germline): Uncertain significance (1 of 4 stars; one submission).

gnomAD v4.1: 2 of 1,614,172 alleles (0.00012%); highest among the groups gnomAD compares: Non-Finnish European, 0.00017%; no homozygotes.

Submission:

Labcorp Genetics (formerly Invitae), Labcorp
Classification: Uncertain significance. Last evaluated: 2022-07-14. Review status: criteria provided, single submitter. Criteria: Invitae Variant Classification Sherloc (09022015). Collection method: clinical testing. Allele origin: germline.
Comment: This sequence change replaces valine, which is neutral and non-polar, with isoleucine, which is neutral and non-polar, at codon 1086 of the ERBIN protein (p.Val1086Ile). This variant is not present in population databases (gnomAD no frequency). This variant has not been reported in the literature in individuals affected with ERBIN-related conditions. Algorithms developed to predict the effect of missense changes on protein structure and function output the following: SIFT: "Tolerated"; PolyPhen-2: "Benign"; Align-GVGD: "Class C0". The isoleucine amino acid residue is found in multiple mammalian species, which suggests that this missense change does not adversely affect protein function. In summary, the available evidence is currently insufficient to determine the role of this variant in disease. Therefore, it has been classified as a Variant of Uncertain Significance.

NM_001253697.2(ERBIN):c.3256G>A (p.Val1086Ile)

Gene: ERBIN (erbb2 interacting protein; plus strand). Cytogenetic location: 5q12.3.
Variant type: single nucleotide variant.
Coding change: c.3256G>A on transcript NM_001253697.2 (MANE Select); coding-DNA position 3256, G replaced by A.
Protein change: p.Val1086Ile; replaces valine 1086 with isoleucine.
Molecular consequence: missense variant.
Genome position (GRCh38, 1-based): chr5:66,054,574, G>A. VCF-style: chr5-66054574-G-A. GRCh37 (hg19) VCF-style: chr5-65350402-G-A.
Other names: c.3256G>A, p.Val1086Ile (NM_001253698.2, NM_001253699.2, NM_018695.4 and 1 more transcripts); c.3244G>A, p.Val1082Ile (NM_001253701.2); short protein forms V1086I, V1082I.
Identifiers: ClinVar variation 1950847 (VCV001950847.5), dbSNP rs2546815468, ClinGen allele CA359869386.